The following is an entry in ClinVar:

ClinVar aggregate classification (germline): Uncertain significance. Review status: criteria provided, multiple submitters, no conflicts (2 of 4 stars). 2 submissions from 2 submitters: Uncertain significance (2). Last evaluated 2025-09-10.

Allele frequency attached by ClinVar (database versions not stated): gnomAD 0.00002; gnomAD exomes 0.00003 and 0.00008; ExAC 0.00007; ESP Exome Variant Server 0.00008; TOPMed 0.00008; 1000 Genomes Project 30x 0.00016; 1000 Genomes Project 0.00020.
gnomAD v4.1: 50 of 1,613,838 alleles (0.0031%); highest among the groups gnomAD compares: Admixed American, 0.03%; no homozygotes.

Submissions (2):

Ambry Genetics
Classification: Uncertain significance. Last evaluated: 2025-09-10. Review status: criteria provided, single submitter. Criteria: Ambry Variant Classification Scheme 2023. Collection method: clinical testing. Allele origin: germline.

Labcorp Genetics (formerly Invitae), Labcorp
Classification: Uncertain significance. Last evaluated: 2023-04-26. Review status: criteria provided, single submitter. Criteria: Invitae Variant Classification Sherloc (09022015). Collection method: clinical testing. Allele origin: germline.
Comment: ClinVar contains an entry for this variant (Variation ID: 1422380). This variant has not been reported in the literature in individuals affected with CDCA7-related conditions. This variant is present in population databases (rs143579439, gnomAD 0.04%). This sequence change replaces proline, which is neutral and non-polar, with leucine, which is neutral and non-polar, at codon 395 of the CDCA7 protein (p.Pro395Leu). An algorithm developed to predict the effect of missense changes on protein structure and function (PolyPhen-2) suggests that this variant is likely to be disruptive. In summary, the available evidence is currently insufficient to determine the role of this variant in disease. Therefore, it has been classified as a Variant of Uncertain Significance.

NM_031942.5(CDCA7):c.1184C>T (p.Pro395Leu)

Gene: CDCA7 (cell division cycle associated 7; plus strand). Cytogenetic location: 2q31.1.
Variant type: single nucleotide variant.
Coding change: c.1184C>T on transcript NM_031942.5 (MANE Select); coding-DNA position 1184, C replaced by T.
Protein change: p.Pro395Leu; replaces proline 395 with leucine.
Molecular consequence: missense variant.
Genome position (GRCh38, 1-based): chr2:173,366,431, C>T. VCF-style: chr2-173366431-C-T. GRCh37 (hg19) VCF-style: chr2-174231159-C-T.
Other names: c.1184C>T (NM_031942.4); c.947C>T, p.Pro316Leu (NM_145810.3); short protein forms P316L, P395L.
Identifiers: ClinVar variation 1422380 (VCV001422380.7), dbSNP rs143579439, ClinGen allele CA1971452.